The following is an entry in ClinVar:

NM_000038.6(APC):c.6208G>A (p.Gly2070Ser)

Gene: APC (APC regulator of Wnt signaling pathway; plus strand). Cytogenetic location: 5q22.2.
Variant type: single nucleotide variant.
Coding change: c.6208G>A on transcript NM_000038.6 (MANE Select); coding-DNA position 6208, G replaced by A.
Protein change: p.Gly2070Ser; replaces glycine 2070 with serine.
Molecular consequence: missense variant. On other transcripts: non-coding transcript variant (2).
Genome position (GRCh38, 1-based): chr5:112,841,802, G>A. VCF-style: chr5-112841802-G-A. GRCh37 (hg19) VCF-style: chr5-112177499-G-A.
Other names: c.5821G>A, p.Gly1941Ser (NM_001407469.1, NM_001407467.1); c.5359G>A, p.Gly1787Ser (NM_001407470.1, NM_001354906.2); c.5056G>A, p.Gly1686Ser (NM_001407471.1, NM_001407472.1); c.6208G>A, p.Gly2070Ser (NM_001127510.3, NM_001354895.2, NM_001407450.1); c.6154G>A, p.Gly2052Ser (NM_001127511.3); c.6262G>A, p.Gly2088Ser (NM_001354896.2, NM_001407447.1, NM_001407448.1 and 1 more transcripts); c.6238G>A, p.Gly2080Ser (NM_001354897.2); c.6133G>A, p.Gly2045Ser (NM_001354898.2); and 11 more; short protein forms G1686S, G1941S, G1979S, G2011S, G2045S, G2070S, G1787S, G1969S.
Identifiers: ClinVar variation 2757178 (VCV002757178.3), dbSNP rs2149959682, ClinGen allele CA16034930.

ClinVar aggregate classification (germline): Uncertain significance (1 of 4 stars; one submission).

Conditions:
Familial adenomatous polyposis 1 (FAP1). Also called: POLYPOSIS, ADENOMATOUS INTESTINAL; FAMILIAL ADENOMATOUS POLYPOSIS 1, ATTENUATED. Identifiers: MedGen C2713442, MONDO:0021056, OMIM 175100. Disease mechanism: loss of function.

Submission:

Labcorp Genetics (formerly Invitae), Labcorp
Classification: Uncertain significance for Familial adenomatous polyposis 1. Last evaluated: 2025-02-27. Review status: criteria provided, single submitter. Criteria: Invitae Variant Classification Sherloc (09022015). Collection method: clinical testing. Allele origin: germline.
Comment: This sequence change replaces glycine, which is neutral and non-polar, with serine, which is neutral and polar, at codon 2070 of the APC protein (p.Gly2070Ser). This variant is not present in population databases (gnomAD no frequency). This variant has not been reported in the literature in individuals affected with APC-related conditions. ClinVar contains an entry for this variant (Variation ID: 2757178). Invitae Evidence Modeling of protein sequence and biophysical properties (such as structural, functional, and spatial information, amino acid conservation, physicochemical variation, residue mobility, and thermodynamic stability) indicates that this missense variant is not expected to disrupt APC protein function with a negative predictive value of 95%. In summary, the available evidence is currently insufficient to determine the role of this variant in disease. Therefore, it has been classified as a Variant of Uncertain Significance.